The following is an entry in ClinVar:

ClinVar aggregate classification (germline): Likely benign. Review status: criteria provided, multiple submitters, no conflicts (2 of 4 stars). 2 submissions from 2 submitters: Likely benign (2). Last evaluated 2025-08-01.

Conditions:
LRMDA-related disorder. Also called: LRMDA-related condition.

Allele frequency attached by ClinVar (database versions not stated): gnomAD 0.00005 and 0.00008; gnomAD exomes 0.00005 and 0.00035; TOPMed 0.00012; ExAC 0.00030; 1000 Genomes Project 30x 0.00031; 1000 Genomes Project 0.00040.
gnomAD v4.1: 82 of 1,614,162 alleles (0.0051%); highest among the groups gnomAD compares: East Asian, 0.18%; no homozygotes.

Submissions (2):

PreventionGenetics, part of Exact Sciences
Classification: Likely benign for LRMDA-related condition. Last evaluated: 2025-08-01. Review status: criteria provided, single submitter. Criteria: ACMG Guidelines, 2015. Collection method: clinical testing. Allele origin: germline.
Comment: This variant is classified as likely benign based on ACMG/AMP sequence variant interpretation guidelines (Richards et al. 2015 PMID: 25741868, with internal and published modifications).

Labcorp Genetics (formerly Invitae), Labcorp
Classification: Likely benign. Last evaluated: 2025-01-23. Review status: criteria provided, single submitter. Criteria: Invitae Variant Classification Sherloc (09022015). Collection method: clinical testing. Allele origin: germline.

NM_001305581.2(LRMDA):c.132-253001A>C

Gene: LRMDA (leucine rich melanocyte differentiation associated; plus strand). Cytogenetic location: 10q22.2.
Variant type: single nucleotide variant.
Coding change: c.132-253001A>C on transcript NM_001305581.2 (MANE Select); 253001 bases into the intron before coding-DNA position 132, A replaced by C.
Molecular consequence: intron variant. On other transcripts: missense variant (1).
Genome position (GRCh38, 1-based): chr10:75,783,007, A>C. VCF-style: chr10-75783007-A-C. GRCh37 (hg19) VCF-style: chr10-77542765-A-C.
Other names: c.32A>C (NM_032024.4); c.32A>C, p.His11Pro (NM_032024.5); short protein forms H11P.
Identifiers: ClinVar variation 1681424 (VCV001681424.9), dbSNP rs529040494, ClinGen allele CA5567509.